The following is an entry in ClinVar:

NM_000083.3(CLCN1):c.647T>C (p.Val216Ala)

Gene: CLCN1 (chloride voltage-gated channel 1; plus strand). Cytogenetic location: 7q34.
Variant type: single nucleotide variant.
Coding change: c.647T>C on transcript NM_000083.3 (MANE Select); coding-DNA position 647, T replaced by C.
Protein change: p.Val216Ala; replaces valine 216 with alanine.
Molecular consequence: missense variant. On other transcripts: non-coding transcript variant (1).
Genome position (GRCh38, 1-based): chr7:143,321,799, T>C. VCF-style: chr7-143321799-T-C. GRCh37 (hg19) VCF-style: chr7-143018892-T-C.
Other names: short protein forms V216A.
Identifiers: ClinVar variation 3145396 (VCV003145396.2), dbSNP rs2116838639, ClinGen allele CA369684823.
Genomic context (GRCh38, chr7:143,321,799, plus strand): 5'-CAATACTTCGTGGGGTTGTCCTGAAGGAATACCTCACAATGAAAGCCTTTGTGGCCAAGG[T>C]TGTCGCCCTGACTGCGGGCCTGGGCAGTGGCATCCCCGTGGGGAAAGAGGTAGGCCTGGC-3'
Protein context (NP_000074.3, residues 206-226): YLTMKAFVAK[Val216Ala]VALTAGLGSG

ClinVar aggregate classification (germline): Uncertain significance. Review status: criteria provided, multiple submitters, no conflicts (2 of 4 stars). 2 submissions from 2 submitters: Uncertain significance (2). Last evaluated 2025-09-10.

Conditions:
Congenital myotonia, autosomal dominant form (THD). Also called: THOMSEN DISEASE; Myotonia congenita autosomal dominant. Identifiers: Orphanet 614, MedGen C2936781, MONDO:0008055, OMIM 160800.
Congenital myotonia, autosomal recessive form. Also called: BECKER DISEASE; myotonia congenita, autosomal recessive; Becker Generalized Myotonia. Identifiers: Orphanet 614, MedGen C0751360, MONDO:0009715, OMIM 255700.
Inborn genetic diseases. Identifiers: MedGen C0950123, MeSH D030342.

Allele frequency attached by ClinVar (database versions not stated): gnomAD exomes below 0.00001.
gnomAD v4.1: 1 of 1,614,232 alleles (0.000062%); highest among the groups gnomAD compares: African/African-American, 0.0013%; no homozygotes.

Submissions (2):

Labcorp Genetics (formerly Invitae), Labcorp
Classification: Uncertain significance for Congenital myotonia, autosomal recessive form; Congenital myotonia, autosomal dominant form. Last evaluated: 2025-09-10. Review status: criteria provided, single submitter. Criteria: Invitae Variant Classification Sherloc (09022015). Collection method: clinical testing. Allele origin: germline.
Comment: This sequence change replaces valine, which is neutral and non-polar, with alanine, which is neutral and non-polar, at codon 216 of the CLCN1 protein (p.Val216Ala). This variant is not present in population databases (gnomAD no frequency). This variant has not been reported in the literature in individuals affected with CLCN1-related conditions. ClinVar contains an entry for this variant (Variation ID: 3145396). Invitae Evidence Modeling of protein sequence and biophysical properties (such as structural, functional, and spatial information, amino acid conservation, physicochemical variation, residue mobility, and thermodynamic stability) indicates that this missense variant is expected to disrupt CLCN1 protein function with a positive predictive value of 95%. In summary, the available evidence is currently insufficient to determine the role of this variant in disease. Therefore, it has been classified as a Variant of Uncertain Significance.

Ambry Genetics
Classification: Uncertain significance for Inborn genetic diseases. Last evaluated: 2023-12-16. Review status: criteria provided, single submitter. Criteria: Ambry Variant Classification Scheme 2023. Collection method: clinical testing. Allele origin: germline.